The following is an entry in ClinVar:

NM_014243.3(ADAMTS3):c.1537C>A (p.Pro513Thr)

Gene: ADAMTS3 (ADAM metallopeptidase with thrombospondin type 1 motif 3; minus strand). Cytogenetic location: 4q13.3.
Variant type: single nucleotide variant.
Coding change: c.1537C>A on transcript NM_014243.3 (MANE Select); coding-DNA position 1537, C replaced by A.
Protein change: p.Pro513Thr; replaces proline 513 with threonine.
Molecular consequence: missense variant.
Genome position (GRCh38, 1-based): chr4:72,315,920, G>T on the plus strand (C>A on the coding strand, the complement: ADAMTS3 is on the minus strand). VCF-style: chr4-72315920-G-T. GRCh37 (hg19) VCF-style: chr4-73181637-G-T.
Other names: short protein forms P513T.
Identifiers: ClinVar variation 3038420 (VCV003038420.2), dbSNP rs139921635, ClinGen allele CA2956920.

ClinVar aggregate classification (germline): Benign (0 of 4 stars; one submission).

Conditions:
ADAMTS3-related disorder. Also called: ADAMTS3-related condition.

Allele frequency attached by ClinVar (database versions not stated): 1000 Genomes Project 30x 0.00703; 1000 Genomes Project 0.00719; TOPMed 0.01247; ExAC 0.01578; ESP Exome Variant Server 0.01592.
gnomAD v4.1: 32,438 of 1,613,006 alleles (2%); highest among the groups gnomAD compares: Non-Finnish European, 2.3%; 381 homozygotes.

Submission:

PreventionGenetics, part of Exact Sciences
Classification: Benign for ADAMTS3-related condition. Last evaluated: 2019-02-19. Review status: no assertion criteria provided. Collection method: clinical testing. Allele origin: germline.
Comment: This variant is classified as benign based on ACMG/AMP sequence variant interpretation guidelines (Richards et al. 2015 PMID: 25741868, with internal and published modifications).